The following is an entry in ClinVar:

ClinVar aggregate classification (germline): Uncertain significance (1 of 4 stars; one submission).

Conditions:
Progressive microcephaly-seizures-cortical blindness-developmental delay syndrome. Also called: Seizures, cortical blindness, and microcephaly syndrome. Identifiers: Orphanet 477814, MedGen C5567650, MONDO:0014714, OMIM 616632.
Autosomal dominant nonsyndromic hearing loss 1. Also called: KONIGSMARK SYNDROME; DEAFNESS, AUTOSOMAL DOMINANT 1, WITH OR WITHOUT THROMBOCYTOPENIA. Identifiers: Orphanet 90635, MedGen C1852282, MONDO:0007424, OMIM 124900.

Submission:

Labcorp Genetics (formerly Invitae), Labcorp
Classification: Uncertain significance for Progressive microcephaly-seizures-cortical blindness-developmental delay syndrome; Autosomal dominant nonsyndromic hearing loss 1. Last evaluated: 2025-09-02. Review status: criteria provided, single submitter. Criteria: Invitae Variant Classification Sherloc (09022015). Collection method: clinical testing. Allele origin: germline.
Comment: This sequence change replaces glutamine, which is neutral and polar, with arginine, which is basic and polar, at codon 440 of the DIAPH1 protein (p.Gln440Arg). This variant is not present in population databases (gnomAD no frequency). This variant has not been reported in the literature in individuals affected with DIAPH1-related conditions. ClinVar contains an entry for this variant (Variation ID: 2050669). Experimental studies and prediction algorithms are not available or were not evaluated, and the functional significance of this variant is currently unknown. In summary, the available evidence is currently insufficient to determine the role of this variant in disease. Therefore, it has been classified as a Variant of Uncertain Significance.

NM_005219.5(DIAPH1):c.1319A>G (p.Gln440Arg)

Gene: DIAPH1 (diaphanous related formin 1; minus strand). Cytogenetic location: 5q31.3.
Variant type: single nucleotide variant.
Coding change: c.1319A>G on transcript NM_005219.5 (MANE Select); coding-DNA position 1319, A replaced by G.
Protein change: p.Gln440Arg; replaces glutamine 440 with arginine.
Molecular consequence: missense variant.
Genome position (GRCh38, 1-based): chr5:141,576,833, T>C on the plus strand (A>G on the coding strand, the complement: DIAPH1 is on the minus strand). VCF-style: chr5-141576833-T-C. GRCh37 (hg19) VCF-style: chr5-140956400-T-C.
Other names: c.1292A>G, p.Gln431Arg (NM_001079812.3); c.1319A>G, p.Gln440Arg (NM_001314007.2); short protein forms Q431R, Q440R.
Identifiers: ClinVar variation 2050669 (VCV002050669.4), dbSNP rs754578524, ClinGen allele CA361528012.